The following is an entry in ClinVar:

NM_000532.5(PCCB):c.40C>A (p.Leu14Ile)

Gene: PCCB (propionyl-CoA carboxylase subunit beta; plus strand). Cytogenetic location: 3q22.3.
Variant type: single nucleotide variant.
Coding change: c.40C>A on transcript NM_000532.5 (MANE Select); coding-DNA position 40, C replaced by A.
Protein change: p.Leu14Ile; replaces leucine 14 with isoleucine.
Molecular consequence: missense variant.
Genome position (GRCh38, 1-based): chr3:136,250,415, C>A. VCF-style: chr3-136250415-C-A. GRCh37 (hg19) VCF-style: chr3-135969257-C-A.
Other names: c.40C>A, p.Leu14Ile (NM_001178014.2); short protein forms L14I.
Identifiers: ClinVar variation 1937854 (VCV001937854.2), dbSNP rs1215705998, ClinGen allele CA354737873.

ClinVar aggregate classification (germline): Uncertain significance (1 of 4 stars; one submission).

Conditions:
Propionic acidemia (PROP). Also called: GLYCINEMIA, KETOTIC; HYPERGLYCINEMIA WITH KETOACIDOSIS AND LEUKOPENIA; KETOTIC HYPERGLYCINEMIA. Identifiers: Orphanet 35, MedGen C0268579, MONDO:0011628, OMIM 606054, HP:0003571.

gnomAD v4.1: 1 of 1,582,074 alleles (0.000063%); highest among the groups gnomAD compares: Admixed American, 0.0018%; no homozygotes.

Submission:

Labcorp Genetics (formerly Invitae), Labcorp
Classification: Uncertain significance for Propionic acidemia. Last evaluated: 2022-08-20. Review status: criteria provided, single submitter. Criteria: Invitae Variant Classification Sherloc (09022015). Collection method: clinical testing. Allele origin: germline.
Comment: This sequence change replaces leucine, which is neutral and non-polar, with isoleucine, which is neutral and non-polar, at codon 14 of the PCCB protein (p.Leu14Ile). This variant is not present in population databases (gnomAD no frequency). This variant has not been reported in the literature in individuals affected with PCCB-related conditions. Advanced modeling of protein sequence and biophysical properties (such as structural, functional, and spatial information, amino acid conservation, physicochemical variation, residue mobility, and thermodynamic stability) performed at Invitae indicates that this missense variant is not expected to disrupt PCCB protein function. In summary, the available evidence is currently insufficient to determine the role of this variant in disease. Therefore, it has been classified as a Variant of Uncertain Significance.